The following is an entry in ClinVar:

NM_006846.4(SPINK5):c.535A>G (p.Asn179Asp)

Gene: SPINK5 (serine peptidase inhibitor Kazal type 5; plus strand). Cytogenetic location: 5q32.
Variant type: single nucleotide variant.
Coding change: c.535A>G on transcript NM_006846.4 (MANE Select); coding-DNA position 535, A replaced by G.
Protein change: p.Asn179Asp; replaces asparagine 179 with aspartic acid.
Molecular consequence: missense variant.
Genome position (GRCh38, 1-based): chr5:148,089,554, A>G. VCF-style: chr5-148089554-A-G. GRCh37 (hg19) VCF-style: chr5-147469117-A-G.
Other names: c.535A>G, p.Asn179Asp (NM_001127698.2, NM_001127699.2); short protein forms N179D.
Identifiers: ClinVar variation 1007987 (VCV001007987.9), dbSNP rs1474696141, ClinGen allele CA361890402.

ClinVar aggregate classification (germline): Uncertain significance (1 of 4 stars; one submission).

Conditions:
Ichthyosis linearis circumflexa. Identifiers: MedGen C0265962, MONDO:0043106, HP:0025810.

Allele frequency attached by ClinVar (database versions not stated): gnomAD exomes below 0.00001; TOPMed below 0.00001; gnomAD 0.00001.
gnomAD v4.1: 4 of 1,612,076 alleles (0.00025%); highest among the groups gnomAD compares: African/African-American, 0.0054%; no homozygotes.

Submission:

Labcorp Genetics (formerly Invitae), Labcorp
Classification: Uncertain significance for Ichthyosis linearis circumflexa. Last evaluated: 2024-12-16. Review status: criteria provided, single submitter. Criteria: Invitae Variant Classification Sherloc (09022015). Collection method: clinical testing. Allele origin: germline.
Comment: This sequence change replaces asparagine, which is neutral and polar, with aspartic acid, which is acidic and polar, at codon 179 of the SPINK5 protein (p.Asn179Asp). This variant is present in population databases (no rsID available, gnomAD 0.008%). This variant has not been reported in the literature in individuals affected with SPINK5-related conditions. ClinVar contains an entry for this variant (Variation ID: 1007987). Invitae Evidence Modeling of protein sequence and biophysical properties (such as structural, functional, and spatial information, amino acid conservation, physicochemical variation, residue mobility, and thermodynamic stability) indicates that this missense variant is not expected to disrupt SPINK5 protein function with a negative predictive value of 80%. In summary, the available evidence is currently insufficient to determine the role of this variant in disease. Therefore, it has been classified as a Variant of Uncertain Significance.